The following is an entry in ClinVar:

NM_018122.5(DARS2):c.228-16C>G

Gene: DARS2 (aspartyl-tRNA synthetase 2, mitochondrial; plus strand). Cytogenetic location: 1q25.1.
Variant type: single nucleotide variant.
Coding change: c.228-16C>G on transcript NM_018122.5 (MANE Select); 16 bases into the intron before coding-DNA position 228, C replaced by G.
Molecular consequence: intron variant.
Genome position (GRCh38, 1-based): chr1:173,828,317, C>G. VCF-style: chr1-173828317-C-G. GRCh37 (hg19) VCF-style: chr1-173797455-C-G.
Other names: c.228-16C>G (NM_001365212.1, NM_001365213.2).
Identifiers: ClinVar variation 1174751 (VCV001174751.8), dbSNP rs778731200, ClinGen allele CA1250061.
Genomic context (GRCh38, chr1:173,828,317, plus strand): 5'-TTTATTTTGTATGCTTCAACTTTGGACTTAGAGATTTTATCTTAAAATGTTTCTTTTCCC[C>G]CCCCCCATTAATCAGGCAAAACACATTCTTGGTCCTAAGAGATTTCGATGGGCTTGTTCA-3'

ClinVar aggregate classification (germline): Conflicting classifications of pathogenicity. Review status: criteria provided, conflicting classifications (1 of 4 stars). 5 submissions from 5 submitters: Likely pathogenic (2); Uncertain significance (1). 2 of the submissions do not count toward it. Last evaluated 2026-05-14.

Conditions:
Leukoencephalopathy with brain stem and spinal cord involvement-high lactate syndrome (LBSL). Also called: LEUKOENCEPHALOPATHY WITH BRAINSTEM AND SPINAL CORD INVOLVEMENT AND LACTATE ELEVATION, MILD; MITOCHONDRIAL ASPARTYL-tRNA SYNTHETASE DEFICIENCY; Leukoencephalopathy with Brainstem and Spinal Cord Involvement and Lactate Elevation. Identifiers: Orphanet 137898, MedGen C1970180, MONDO:0012622, OMIM 611105.

Submissions (5):

Victorian Clinical Genetics Services, Murdoch Childrens Research Institute
Classification: Likely pathogenic for Leukoencephalopathy with brain stem and spinal cord involvement-high lactate syndrome. Last evaluated: 2026-05-14. Review status: criteria provided, single submitter. Criteria: ACMG Guidelines, 2015. Collection method: clinical testing. Allele origin: germline. Affected: yes.
Comment: This variant is classified as Likely pathogenic. Evidence in support of pathogenic classification: Variant is present in gnomAD <0.01 for a recessive condition (v4: 39 heterozygote(s), 0 homozygote(s)); This variant has moderate previous evidence of pathogenicity in unrelated individuals. This variant has been reported in a compound heterozygous state in two unrelated families with leukoencephalopathy with brain stem and spinal cord involvement and lactate elevation (PMID: 20878420, 23065766). Additionally, it has been classified twice as a VUS, and once as likely pathogenic by clinical laboratories in ClinVar; This variant has limited evidence for segregation with disease. This variant has been reported in siblings in two unrelated families; Moderate functional evidence supporting abnormal protein function. Research studies performed on this proband's peripheral blood mononuclear cells showed significantly reduced DARS2 protein, while DARS2 levels in their carrier parents were also reduced but to a lesser extent (RDMassSpec, Victoria, Australia); Another splice site variant comparable to the one identified in this case has limited previous evidence for pathogenicity. The c.228-16C>A variant has been classified as likely pathogenic/pathogenic by multiple clinical laboratories in ClinVar. Additionally, it has been reported in adult siblings with MRI findings consistent with leukoencephalopathy with brain stem and spinal cord involvement and lactate elevation (PMID: 34631948). Other splice site variants within this region have also been classified as pathogenic/likely pathogenic in ClinVar; Strong phenotype match for this individual. Evidence in support of benign classification: Abnormal splicing is not predicted and nucleotide is poorly conserved. Additional information: Non-coding variant without known or predicted effect; This variant is heterozygous; This gene is associated with autosomal recessive disease; Loss of function is a known mechanism of disease in this gene and is associated with leukoencephalopathy with brain stem and spinal cord involvement and lactate elevation (MIM#611105); Heterozygous variant detected in trans with a second LIKELY PATHOGENIC heterozygous variant (NM_018122.5(DARS2):c.1505_1507dup; p.(His502dup)) in a recessive disease.

Labcorp Genetics (formerly Invitae), Labcorp
Classification: Likely pathogenic. Last evaluated: 2025-11-27. Review status: criteria provided, single submitter. Criteria: Invitae Variant Classification Sherloc (09022015). Collection method: clinical testing. Allele origin: germline.
Comment: This sequence change falls in intron 2 of the DARS2 gene. It does not directly change the encoded amino acid sequence of the DARS2 protein. This variant is present in population databases (rs778731200, gnomAD 0.007%). This variant has been observed in individuals with leukoencephalopathy (PMID: 20878420, 22456076, 23065766). It has also been observed to segregate with disease in related individuals. ClinVar contains an entry for this variant (Variation ID: 1174751). Algorithms developed to predict the effect of sequence changes on RNA splicing suggest that this variant is not likely to affect RNA splicing. In summary, the currently available evidence indicates that the variant is pathogenic, but additional data are needed to prove that conclusively. Therefore, this variant has been classified as Likely Pathogenic.

Broad Center for Mendelian Genomics, Broad Institute of MIT and Harvard
Classification: Uncertain significance for Leukoencephalopathy with brain stem and spinal cord involvement-high lactate syndrome. Last evaluated: 2025-01-16. Review status: criteria provided, single submitter. Criteria: ACMG Guidelines, 2015. Collection method: curation. Allele origin: germline. Inheritance: Autosomal recessive inheritance.
Comment: The c.228-16C>G variant in DARS2 has been reported in 3 individuals with leukoencephalopathy with brain stem and spinal cord involvement-high lactate syndrome (PMID: 23065766, 20878420, 22456076), and has been identified in 0.003% (2/66094) of European (non-Finnish) chromosomes by the Genome Aggregation Database (gnomAD; dbSNP rs778731200). Although this variant has been seen in the general population in a heterozygous state, its frequency is low enough to be consistent with a recessive carrier frequency. This variant has also been reported in ClinVar (Variation ID: 1174751) and has been interpreted as a variant of uncertain significance by University Medical Center Groningen and Joint Genome Diagnostic Labs from Nijmegen and Maastricht. Of the 3 affected individuals, 1 was a compound heterozygote that carried a reported likely pathogenic variants with unknown phase and 1 was a compound heterozygote that carried a variant of uncertain significance in trans, which increases the likelihood that the c.228-16C>G variant is pathogenic (PMID: 23065766, 22456076). This variant is located in the intron 2 splice region. This region of DARS2 is an established mutational hotspot and most individuals with LBSL have variants in this region. Variants that occur in this intron 2 splice region are known to be leaky, which may explain some variability in disease phenotype (PMID: 24566671). In summary, the clinical significance of the c.228-16C>G variant is uncertain. ACMG/AMP Criteria applied: PM1_supporting, PM2_supporting, PM3_supporting (Richards 2015).

Diagnostic Laboratory, Department of Genetics, University Medical Center Groningen
Classification: Uncertain significance. Review status: no assertion criteria provided. Collection method: clinical testing. Allele origin: germline. Affected: yes. Study: VKGL Data-share Consensus. Not counted in ClinVar's aggregate classification.

Joint Genome Diagnostic Labs from Nijmegen and Maastricht, Radboudumc and MUMC+
Classification: Uncertain significance. Review status: no assertion criteria provided. Collection method: clinical testing. Allele origin: germline. Affected: yes. Study: VKGL Data-share Consensus. Not counted in ClinVar's aggregate classification.

Literature cited by the submitters: PubMed 23065766 (cited by Victorian Clinical Genetics Services, Murdoch Childrens Research Institute and Labcorp Genetics (formerly Invitae), Labcorp); PubMed 34631948 (cited by Victorian Clinical Genetics Services, Murdoch Childrens Research Institute); PubMed 20878420 (cited by Victorian Clinical Genetics Services, Murdoch Childrens Research Institute and Labcorp Genetics (formerly Invitae), Labcorp); PubMed 22456076 (cited by Labcorp Genetics (formerly Invitae), Labcorp); PubMed 24566671 (cited by Broad Center for Mendelian Genomics, Broad Institute of MIT and Harvard).